The following is an entry in ClinVar:

NM_001371986.1(UNC80):c.1135C>T (p.Pro379Ser)

Gene: UNC80 (unc-80 subunit of NALCN channel complex; plus strand). Cytogenetic location: 2q34.
Variant type: single nucleotide variant.
Coding change: c.1135C>T on transcript NM_001371986.1 (MANE Select); coding-DNA position 1135, C replaced by T.
Protein change: p.Pro379Ser; replaces proline 379 with serine.
Molecular consequence: missense variant.
Genome position (GRCh38, 1-based): chr2:209,813,776, C>T. VCF-style: chr2-209813776-C-T. GRCh37 (hg19) VCF-style: chr2-210678500-C-T.
Other names: c.1135C>T, p.Pro379Ser (NM_032504.2, NM_182587.4); short protein forms P379S.
Identifiers: ClinVar variation 1481016 (VCV001481016.6), dbSNP rs373130347, ClinGen allele CA2082904.

ClinVar aggregate classification (germline): Uncertain significance (1 of 4 stars; one submission).

Allele frequency attached by ClinVar (database versions not stated): ExAC 0.00005; gnomAD exomes 0.00005 and 0.00011; gnomAD 0.00006; TOPMed 0.00006; 1000 Genomes Project 30x 0.00016; 1000 Genomes Project 0.00020; ESP Exome Variant Server 0.00022.

Submission:

Labcorp Genetics (formerly Invitae), Labcorp
Classification: Uncertain significance. Last evaluated: 2025-12-21. Review status: criteria provided, single submitter. Criteria: Invitae Variant Classification Sherloc (09022015). Collection method: clinical testing. Allele origin: germline.
Comment: This sequence change replaces proline, which is neutral and non-polar, with serine, which is neutral and polar, at codon 379 of the UNC80 protein (p.Pro379Ser). This variant is present in population databases (rs373130347, gnomAD 0.009%). This variant has not been reported in the literature in individuals affected with UNC80-related conditions. ClinVar contains an entry for this variant (Variation ID: 1481016). An algorithm developed to predict the effect of missense changes on protein structure and function (PolyPhen-2) suggests that this variant is likely to be disruptive. In summary, the available evidence is currently insufficient to determine the role of this variant in disease. Therefore, it has been classified as a Variant of Uncertain Significance.